The following is an entry in ClinVar:

ClinVar aggregate classification (germline): Uncertain significance. Review status: criteria provided, multiple submitters, no conflicts (2 of 4 stars). 2 submissions from 2 submitters: Uncertain significance (2). Last evaluated 2024-11-05.

Conditions:
Cortical dysplasia-focal epilepsy syndrome (PTHSL1). Also called: Pitt-Hopkins-like syndrome 1. Identifiers: Orphanet 163681, Orphanet 221150, MedGen C2750246, MONDO:0012400, OMIM 610042.

Allele frequency attached by ClinVar (database versions not stated): gnomAD 0.00001; gnomAD exomes 0.00001; TOPMed 0.00001; ExAC 0.00002.
gnomAD v4.1: 8 of 1,613,782 alleles (0.0005%); highest among the groups gnomAD compares: East Asian, 0.0045%; no homozygotes.

Submissions (2):

Labcorp Genetics (formerly Invitae), Labcorp
Classification: Uncertain significance for Cortical dysplasia-focal epilepsy syndrome. Last evaluated: 2024-11-05. Review status: criteria provided, single submitter. Criteria: Invitae Variant Classification Sherloc (09022015). Collection method: clinical testing. Allele origin: germline.
Comment: This sequence change replaces arginine, which is basic and polar, with glutamine, which is neutral and polar, at codon 483 of the CNTNAP2 protein (p.Arg483Gln). This variant is present in population databases (rs777884519, gnomAD 0.003%). This variant has not been reported in the literature in individuals affected with CNTNAP2-related conditions. ClinVar contains an entry for this variant (Variation ID: 1017534). An algorithm developed to predict the effect of missense changes on protein structure and function (PolyPhen-2) suggests that this variant is likely to be tolerated. In summary, the available evidence is currently insufficient to determine the role of this variant in disease. Therefore, it has been classified as a Variant of Uncertain Significance.

GeneDx
Classification: Uncertain significance. Last evaluated: 2020-02-10. Review status: criteria provided, single submitter. Criteria: GeneDx Variant Classification Process June 2021. Collection method: clinical testing. Allele origin: germline. Affected: yes.
Comment: Reported in an individual with autism spectrum disorder (Koshimizu et al., 2013).; Not observed at a significant frequency in large population cohorts (Lek et al., 2016); In silico analysis supports that this missense variant does not alter protein structure/function; This variant is associated with the following publications: (PMID: 24066114)

NM_014141.6(CNTNAP2):c.1448G>A (p.Arg483Gln)

Gene: CNTNAP2 (contactin associated protein 2; plus strand). Cytogenetic location: 7q35.
Variant type: single nucleotide variant.
Coding change: c.1448G>A on transcript NM_014141.6 (MANE Select); coding-DNA position 1448, G replaced by A.
Protein change: p.Arg483Gln; replaces arginine 483 with glutamine.
Molecular consequence: missense variant.
Genome position (GRCh38, 1-based): chr7:147,300,240, G>A. VCF-style: chr7-147300240-G-A. GRCh37 (hg19) VCF-style: chr7-146997332-G-A.
Other names: short protein forms R483Q.
Identifiers: ClinVar variation 1017534 (VCV001017534.8), dbSNP rs777884519, ClinGen allele CA4546062.